The following is an entry in ClinVar:

ClinVar aggregate classification (germline): Uncertain significance (1 of 4 stars; one submission).

Conditions:
Hereditary cancer-predisposing syndrome. Also called: Neoplastic Syndromes, Hereditary; Tumor predisposition; Hereditary neoplastic syndrome; Hereditary Cancer Syndrome. Identifiers: Orphanet 140162, MedGen C0027672, MeSH D009386, MONDO:0015356.

Submission:

Ambry Genetics
Classification: Uncertain significance for Hereditary cancer-predisposing syndrome. Last evaluated: 2026-02-10. Review status: criteria provided, single submitter. Criteria: Ambry Variant Classification Scheme 2023. Collection method: clinical testing. Allele origin: germline.
Comment: The p.F25S variant (also known as c.74T>C), located in coding exon 3 of the SMARCE1 gene, results from a T to C substitution at nucleotide position 74. The phenylalanine at codon 25 is replaced by serine, an amino acid with highly dissimilar properties. This amino acid position is highly conserved in available vertebrate species. In addition, the in silico prediction for this alteration is inconclusive. Based on the available evidence, the clinical significance of this variant remains unclear.

NM_003079.5(SMARCE1):c.74T>C (p.Phe25Ser)

Gene: SMARCE1 (SWI/SNF related BAF chromatin remodeling complex subunit E1; minus strand). Cytogenetic location: 17q21.2.
Variant type: single nucleotide variant.
Coding change: c.74T>C on transcript NM_003079.5 (MANE Select); coding-DNA position 74, T replaced by C.
Protein change: p.Phe25Ser; replaces phenylalanine 25 with serine.
Molecular consequence: missense variant.
Genome position (GRCh38, 1-based): chr17:40,642,537, A>G on the plus strand (T>C on the coding strand, the complement: SMARCE1 is on the minus strand). VCF-style: chr17-40642537-A-G. GRCh37 (hg19) VCF-style: chr17-38798789-A-G.
Other names: short protein forms F25S.
Identifiers: ClinVar variation 3958604 (VCV003958604.2).